The following is an entry in ClinVar:

ClinVar aggregate classification (germline): Uncertain significance (1 of 4 stars; one submission).

Conditions:
Creatine transporter deficiency (CCDS1). Also called: CEREBRAL CREATINE DEFICIENCY SYNDROME 1; Mental retardation , X-linked with seizures, short stature and midface hypoplasia; Mental retardation , X-linked, with creatine transport deficiency; X-linked creatine transporter deficiency; X-linked creatine deficiency syndrome; SLC6A8-Related Creatine Transporter Deficiency. Identifiers: Orphanet 52503, MedGen C1845862, MONDO:0010305, OMIM 300352.

Submission:

Baylor Genetics
Classification: Uncertain significance for Creatine transporter deficiency. Last evaluated: 2019-12-23. Review status: criteria provided, single submitter. Criteria: ACMG Guidelines, 2015. Collection method: clinical testing. Allele origin: unknown. Affected: yes.
Comment: This variant was determined to be of uncertain significance according to ACMG Guidelines, 2015 [PMID:25741868].

NM_005629.4(SLC6A8):c.706A>T (p.Thr236Ser)

Gene: SLC6A8 (solute carrier family 6 member 8; plus strand). Cytogenetic location: Xq28.
Variant type: single nucleotide variant.
Coding change: c.706A>T on transcript NM_005629.4 (MANE Select); coding-DNA position 706, A replaced by T.
Protein change: p.Thr236Ser; replaces threonine 236 with serine.
Molecular consequence: missense variant.
Genome position (GRCh38, 1-based): chrX:153,692,036, A>T. VCF-style: chrX-153692036-A-T. GRCh37 (hg19) VCF-style: chrX-152957491-A-T.
Other names: c.706A>T, p.Thr236Ser (NM_001142805.2); c.361A>T, p.Thr121Ser (NM_001142806.1); short protein forms T121S, T236S.
Identifiers: ClinVar variation 1028923 (VCV001028923.1), dbSNP rs1328810626, ClinGen allele CA415080082.